The following is an entry in ClinVar:

NM_144999.4(LRRC45):c.706G>T (p.Glu236Ter)

Gene: LRRC45 (leucine rich repeat containing 45; plus strand). Cytogenetic location: 17q25.3.
Variant type: single nucleotide variant.
Coding change: c.706G>T on transcript NM_144999.4 (MANE Select); coding-DNA position 706, G replaced by T.
Protein change: p.Glu236Ter; replaces glutamic acid 236 with a stop codon.
Molecular consequence: nonsense.
Genome position (GRCh38, 1-based): chr17:82,026,943, G>T. VCF-style: chr17-82026943-G-T. GRCh37 (hg19) VCF-style: chr17-79984819-G-T.
Other names: short protein forms E236*.
Identifiers: ClinVar variation 4992203 (VCV004992203.1).

ClinVar aggregate classification (germline): Uncertain significance (1 of 4 stars; one submission).

Conditions:
LRRC45-related disorder. Also called: LRRC45-related condition.

Submission:

PreventionGenetics, part of Exact Sciences
Classification: Uncertain significance for LRRC45-related condition. Last evaluated: 2026-03-05. Review status: criteria provided, single submitter. Criteria: ACMG Guidelines, 2015. Collection method: clinical testing. Allele origin: germline.
Comment: The LRRC45 c.706G>T variant is predicted to result in premature protein termination (p.Glu236*). To our knowledge, this variant has not been reported in the literature or in a large population database (gnomAD), indicating this variant is rare. At this time, the clinical significance of this variant is uncertain due to the absence of conclusive functional and genetic evidence.